The following is an entry in ClinVar:

ClinVar aggregate classification (germline): Conflicting classifications of pathogenicity. Review status: criteria provided, conflicting classifications (1 of 4 stars). 2 submissions from 2 submitters: Uncertain significance (1); Likely benign (1). Last evaluated 2025-06-18.

Allele frequency attached by ClinVar (database versions not stated): ExAC 0.00061; TOPMed 0.00072; gnomAD 0.00082; ESP Exome Variant Server 0.00084.

Submissions (2):

Ambry Genetics
Classification: Uncertain significance. Last evaluated: 2025-06-18. Review status: criteria provided, single submitter. Criteria: Ambry Variant Classification Scheme 2023. Collection method: clinical testing. Allele origin: germline.

CeGaT Center for Human Genetics Tuebingen
Classification: Likely benign. Last evaluated: 2024-02-01. Review status: criteria provided, single submitter. Criteria: CeGaT Center For Human Genetics Tuebingen Variant Classification Criteria Version 2. Collection method: clinical testing. Allele origin: germline. Affected: yes. Observed: 1 variant allele.
Comment: SVEP1: BP4

NM_153366.4(SVEP1):c.7180C>T (p.Pro2394Ser)

Gene: SVEP1 (sushi, von Willebrand factor type A, EGF and pentraxin domain containing 1; minus strand). Cytogenetic location: 9q31.3.
Variant type: single nucleotide variant.
Coding change: c.7180C>T on transcript NM_153366.4 (MANE Select); coding-DNA position 7180, C replaced by T.
Protein change: p.Pro2394Ser; replaces proline 2394 with serine.
Molecular consequence: missense variant.
Genome position (GRCh38, 1-based): chr9:110,408,420, G>A on the plus strand (C>T on the coding strand, the complement: SVEP1 is on the minus strand). VCF-style: chr9-110408420-G-A. GRCh37 (hg19) VCF-style: chr9-113170700-G-A.
Other names: c.7180C>T (NM_153366.3); short protein forms P2394S.
Identifiers: ClinVar variation 3024938 (VCV003024938.24), dbSNP rs200635865, ClinGen allele CA5182080.